The following is an entry in ClinVar:

NM_001384474.1(LOXHD1):c.1217T>A (p.Leu406Ter)

Gene: LOXHD1 (lipoxygenase homology PLAT domains 1; minus strand). Cytogenetic location: 18q21.1.
Variant type: single nucleotide variant.
Coding change: c.1217T>A on transcript NM_001384474.1 (MANE Select); coding-DNA position 1217, T replaced by A.
Protein change: p.Leu406Ter; replaces leucine 406 with a stop codon.
Molecular consequence: nonsense.
Genome position (GRCh38, 1-based): chr18:46,594,384, A>T on the plus strand (T>A on the coding strand, the complement: LOXHD1 is on the minus strand). VCF-style: chr18-46594384-A-T. GRCh37 (hg19) VCF-style: chr18-44174347-A-T.
Other names: c.1217T>A, p.Leu406Ter (NM_144612.7); short protein forms L406*.
Identifiers: ClinVar variation 1724767 (VCV001724767.2), dbSNP rs1274241367, ClinGen allele CA402381036.

ClinVar aggregate classification (germline): Likely pathogenic (1 of 4 stars; one submission).

Conditions:
Autosomal recessive nonsyndromic hearing loss 77. Identifiers: Orphanet 90636, MedGen C2746083, MONDO:0013119, OMIM 613079.

Submission:

Myriad Genetics, Inc.
Classification: Likely pathogenic for Autosomal recessive nonsyndromic hearing loss 77. Last evaluated: 2022-02-25. Review status: criteria provided, single submitter. Criteria: Myriad Women's Health Autosomal Recessive and X-Linked Classification Criteria (2021). Collection method: clinical testing. Allele origin: unknown.
Comment: NM_144612.6(LOXHD1):c.1217T>A(L406*) is expected to be pathogenic in the context of LOXHD1-related DFNB77 hearing loss and deafness. This variant is predicted to lead to an abnormal or absent protein product due to the creation of a premature termination codon in LOXHD1, a gene where loss-of-function variants are known to be pathogenic. Please note: this variant was assessed in the context of healthy population screening.